The following is an entry in ClinVar:

ClinVar aggregate classification (germline): Conflicting classifications of pathogenicity. Review status: criteria provided, conflicting classifications (1 of 4 stars). 2 submissions from 2 submitters: Likely pathogenic (1); Uncertain significance (1). Last evaluated 2025-03-17.

Conditions:
Sotos syndrome (SOTOS). Also called: CEREBRAL GIGANTISM; Sotos' syndrome; Distinctive facial appearance, overgrowth in childhood, and learning disabilities or delayed development; CHROMOSOME 5q35 DELETION SYNDROME; SOTOS SYNDROME 1. Identifiers: Orphanet 821, MedGen C0175695, MONDO:0019349, OMIM 117550.

Submissions (2):

Labcorp Genetics (formerly Invitae), Labcorp
Classification: Uncertain significance. Last evaluated: 2025-03-17. Review status: criteria provided, single submitter. Criteria: Invitae Variant Classification Sherloc (09022015). Collection method: clinical testing. Allele origin: germline.
Comment: This sequence change replaces proline, which is neutral and non-polar, with arginine, which is basic and polar, at codon 1690 of the NSD1 protein (p.Pro1690Arg). This variant is not present in population databases (gnomAD no frequency). This variant has not been reported in the literature in individuals affected with NSD1-related conditions. ClinVar contains an entry for this variant (Variation ID: 436063). Invitae Evidence Modeling of protein sequence and biophysical properties (such as structural, functional, and spatial information, amino acid conservation, physicochemical variation, residue mobility, and thermodynamic stability) indicates that this missense variant is expected to disrupt NSD1 protein function with a positive predictive value of 95%. In summary, the available evidence is currently insufficient to determine the role of this variant in disease. Therefore, it has been classified as a Variant of Uncertain Significance.

Genetic Services Laboratory, University of Chicago
Classification: Likely pathogenic for Sotos syndrome 1. Last evaluated: 2016-04-28. Review status: criteria provided, single submitter. Criteria: ACMG Guidelines, 2015. Collection method: clinical testing. Allele origin: germline. Affected: yes.

NM_022455.5(NSD1):c.5069C>G (p.Pro1690Arg)

Gene: NSD1 (nuclear receptor binding SET domain protein 1; plus strand). Cytogenetic location: 5q35.3.
Variant type: single nucleotide variant.
Coding change: c.5069C>G on transcript NM_022455.5 (MANE Select); coding-DNA position 5069, C replaced by G.
Protein change: p.Pro1690Arg; replaces proline 1690 with arginine.
Molecular consequence: missense variant.
Genome position (GRCh38, 1-based): chr5:177,260,091, C>G. VCF-style: chr5-177260091-C-G. GRCh37 (hg19) VCF-style: chr5-176687092-C-G.
Other names: c.4196C>G, p.Pro1399Arg (NM_001365684.2, NM_001409308.1, NM_001409309.1 and 1 more transcripts); c.5069C>G, p.Pro1690Arg (NM_001409301.1, NM_001409302.1, NM_001409303.1); c.4649C>G, p.Pro1550Arg (NM_001409304.1); c.4316C>G, p.Pro1439Arg (NM_001409305.1); c.4307C>G, p.Pro1436Arg (NM_001409306.1, NM_001409307.1); short protein forms P1690R, P1421R, P1399R, P1550R, P1436R, P1439R.
Identifiers: ClinVar variation 436063 (VCV000436063.11), dbSNP rs1554200207, ClinGen allele CA362303073.